The following is an entry in ClinVar:

ClinVar aggregate classification (germline): Uncertain significance. Review status: criteria provided, multiple submitters, no conflicts (2 of 4 stars). 3 submissions from 3 submitters: Uncertain significance (3). Last evaluated 2022-08-06.

Conditions:
Inborn genetic diseases. Identifiers: MedGen C0950123, MeSH D030342.

Allele frequency attached by ClinVar (database versions not stated): gnomAD 0.00002; TOPMed 0.00002; ExAC 0.00003; gnomAD exomes 0.00003; 1000 Genomes Project 0.00020.
gnomAD v4.1: 42 of 1,417,816 alleles (0.003%); highest among the groups gnomAD compares: Non-Finnish European, 0.0035%; no homozygotes.

Submissions (3):

Labcorp Genetics (formerly Invitae), Labcorp
Classification: Uncertain significance. Last evaluated: 2022-08-06. Review status: criteria provided, single submitter. Criteria: Invitae Variant Classification Sherloc (09022015). Collection method: clinical testing. Allele origin: germline.
Comment: This sequence change replaces alanine, which is neutral and non-polar, with valine, which is neutral and non-polar, at codon 414 of the TRIOBP protein (p.Ala414Val). This variant is present in population databases (rs547909720, gnomAD 0.006%). This variant has not been reported in the literature in individuals affected with TRIOBP-related conditions. Algorithms developed to predict the effect of missense changes on protein structure and function are either unavailable or do not agree on the potential impact of this missense change (SIFT: "Deleterious"; PolyPhen-2: "Benign"; Align-GVGD: "Class C0"). In summary, the available evidence is currently insufficient to determine the role of this variant in disease. Therefore, it has been classified as a Variant of Uncertain Significance.

Blueprint Genetics
Classification: Uncertain significance. Last evaluated: 2022-02-18. Review status: criteria provided, single submitter. Criteria: ACMG Guidelines, 2015. Collection method: clinical testing. Allele origin: germline.

Ambry Genetics
Classification: Uncertain significance for Inborn genetic diseases. Last evaluated: 2021-06-22. Review status: criteria provided, single submitter. Criteria: Ambry Variant Classification Scheme 2023. Collection method: clinical testing. Allele origin: germline.

NM_001039141.3(TRIOBP):c.1241C>T (p.Ala414Val)

Gene: TRIOBP (TRIO and F-actin binding protein; plus strand). Cytogenetic location: 22q13.1.
Variant type: single nucleotide variant.
Coding change: c.1241C>T on transcript NM_001039141.3 (MANE Select); coding-DNA position 1241, C replaced by T.
Protein change: p.Ala414Val; replaces alanine 414 with valine.
Molecular consequence: missense variant.
Genome position (GRCh38, 1-based): chr22:37,723,797, C>T. VCF-style: chr22-37723797-C-T. GRCh37 (hg19) VCF-style: chr22-38119804-C-T.
Other names: c.1241C>T (NM_001039141.2); short protein forms A414V.
Identifiers: ClinVar variation 2158500 (VCV002158500.3), dbSNP rs547909720, ClinGen allele CA10223555.